The following is an entry in ClinVar:

NM_024408.4(NOTCH2):c.2699C>T (p.Pro900Leu)

Gene: NOTCH2 (notch receptor 2; minus strand). Cytogenetic location: 1p12.
Variant type: single nucleotide variant.
Coding change: c.2699C>T on transcript NM_024408.4 (MANE Select); coding-DNA position 2699, C replaced by T.
Protein change: p.Pro900Leu; replaces proline 900 with leucine.
Molecular consequence: missense variant.
Genome position (GRCh38, 1-based): chr1:119,948,467, G>A on the plus strand (C>T on the coding strand, the complement: NOTCH2 is on the minus strand). VCF-style: chr1-119948467-G-A. GRCh37 (hg19) VCF-style: chr1-120491090-G-A.
Other names: c.2699C>T, p.Pro900Leu (NM_001200001.2); short protein forms P900L.
Identifiers: ClinVar variation 1460637 (VCV001460637.9), dbSNP rs2101114444, ClinGen allele CA341858434.
Genomic context (GRCh38, chr1:119,948,467, plus strand): 5'-TACTCACTGGCAAGGCAGTCATCAATGTCCTCCTCACAGTCCATACCACTGAAGCCTGGT[G>A]GACATTCACACATGTAGCTGCCCTGGGTGTTATGGCAGAGACCATGGTTCATGCAGGGCT-3'
Protein context (NP_077719.2, residues 890-910): NTQGSYMCEC[Pro900Leu]PGFSGMDCEE

ClinVar aggregate classification (germline): Uncertain significance. Review status: criteria provided, multiple submitters, no conflicts (2 of 4 stars). 2 submissions from 2 submitters: Uncertain significance (2). Last evaluated 2021-11-16.

Conditions:
Alagille syndrome due to a NOTCH2 point mutation. Also called: Alagille syndrome 2. Identifiers: Orphanet 261629, Orphanet 52, MedGen C1857761, MONDO:0012439, OMIM 610205.
Hajdu-Cheney syndrome (HJCYS). Also called: ACROOSTEOLYSIS WITH OSTEOPOROSIS AND CHANGES IN SKULL AND MANDIBLE; SERPENTINE FIBULA-POLYCYSTIC KIDNEY SYNDROME; Acroosteolysis dominant type. Identifiers: Orphanet 955, MedGen C0917715, MONDO:0007057, OMIM 102500.

Allele frequency attached by ClinVar (database versions not stated): gnomAD exomes below 0.00001.
gnomAD v4.1: 2 of 1,614,146 alleles (0.00012%); highest among the groups gnomAD compares: Non-Finnish European, 0.00017%; no homozygotes.

Submissions (2):

Fulgent Genetics
Classification: Uncertain significance for Hajdu-Cheney syndrome; Alagille syndrome due to a NOTCH2 point mutation. Last evaluated: 2021-11-16. Review status: criteria provided, single submitter. Criteria: ACMG Guidelines, 2015. Collection method: clinical testing. Allele origin: unknown.

Labcorp Genetics (formerly Invitae), Labcorp
Classification: Uncertain significance for Hajdu-Cheney syndrome. Last evaluated: 2021-06-28. Review status: criteria provided, single submitter. Criteria: Invitae Variant Classification Sherloc (09022015). Collection method: clinical testing. Allele origin: germline.
Comment: This sequence change replaces proline with leucine at codon 900 of the NOTCH2 protein (p.Pro900Leu). The proline residue is highly conserved and there is a moderate physicochemical difference between proline and leucine. This variant is not present in population databases (ExAC no frequency). This variant has not been reported in the literature in individuals with NOTCH2-related conditions. Advanced modeling of protein sequence and biophysical properties (such as structural, functional, and spatial information, amino acid conservation, physicochemical variation, residue mobility, and thermodynamic stability) performed at Invitae indicates that this missense variant is not expected to disrupt NOTCH2 protein function. In summary, the available evidence is currently insufficient to determine the role of this variant in disease. Therefore, it has been classified as a Variant of Uncertain Significance.